The following is an entry in ClinVar:

NM_003443.3(ZBTB17):c.432C>T (p.Thr144=)

Gene: ZBTB17 (zinc finger and BTB domain containing 17; minus strand). Cytogenetic location: 1p36.13.
Variant type: single nucleotide variant.
Coding change: c.432C>T on transcript NM_003443.3 (MANE Select); coding-DNA position 432, C replaced by T.
Protein change: p.Thr144=; no amino-acid change (threonine 144 retained).
Molecular consequence: synonymous variant.
Genome position (GRCh38, 1-based): chr1:15,946,257, G>A on the plus strand (C>T on the coding strand, the complement: ZBTB17 is on the minus strand). VCF-style: chr1-15946257-G-A. GRCh37 (hg19) VCF-style: chr1-16272752-G-A.
Other names: c.186C>T, p.Thr62= (NM_001242884.2); c.432C>T, p.Thr144= (NM_001287603.2); c.204C>T, p.Thr68= (NM_001287604.2, NM_001324137.2); c.243C>T, p.Thr81= (NM_001324138.2).
Identifiers: ClinVar variation 3034197 (VCV003034197.2), dbSNP rs147654293, ClinGen allele CA621436.

ClinVar aggregate classification (germline): Likely benign (0 of 4 stars; one submission).

Conditions:
ZBTB17-related disorder. Also called: ZBTB17-related condition.

Allele frequency attached by ClinVar (database versions not stated): 1000 Genomes Project 0.00040; TOPMed 0.00040; 1000 Genomes Project 30x 0.00047; ESP Exome Variant Server 0.00069.
gnomAD v4.1: 1,141 of 1,613,914 alleles (0.071%); highest among the groups gnomAD compares: Non-Finnish European, 0.089%; 1 homozygote.

Submission:

PreventionGenetics, part of Exact Sciences
Classification: Likely benign for ZBTB17-related condition. Last evaluated: 2019-04-04. Review status: no assertion criteria provided. Collection method: clinical testing. Allele origin: germline.
Comment: This variant is classified as likely benign based on ACMG/AMP sequence variant interpretation guidelines (Richards et al. 2015 PMID: 25741868, with internal and published modifications).